The following is an entry in ClinVar:

NM_015512.5(DNAH1):c.3669G>C (p.Trp1223Cys)

Gene: DNAH1 (dynein axonemal heavy chain 1; plus strand). Cytogenetic location: 3p21.1.
Variant type: single nucleotide variant.
Coding change: c.3669G>C on transcript NM_015512.5 (MANE Select); coding-DNA position 3669, G replaced by C.
Protein change: p.Trp1223Cys; replaces tryptophan 1223 with cysteine.
Molecular consequence: missense variant.
Genome position (GRCh38, 1-based): chr3:52,355,031, G>C. VCF-style: chr3-52355031-G-C. GRCh37 (hg19) VCF-style: chr3-52389047-G-C.
Other names: short protein forms W1223C.
Identifiers: ClinVar variation 2925245 (VCV002925245.3), dbSNP rs1333502533, ClinGen allele CA353117974.

ClinVar aggregate classification (germline): Uncertain significance (1 of 4 stars; one submission).

Conditions:
Ciliary dyskinesia, primary, 37 (CILD37). Also called: CILIARY DYSKINESIA, PRIMARY, 37, WITH OR WITHOUT SITUS INVERSUS. Identifiers: MedGen C4539798, MONDO:0033204, OMIM 617577.
Spermatogenic failure 18. Identifiers: MedGen C4539783, MONDO:0054615, OMIM 617576.

gnomAD v4.1: 4 of 1,613,748 alleles (0.00025%); highest among the groups gnomAD compares: Middle Eastern, 0.016%; no homozygotes.

Submission:

Labcorp Genetics (formerly Invitae), Labcorp
Classification: Uncertain significance for Ciliary dyskinesia, primary, 37; Spermatogenic failure 18. Last evaluated: 2024-04-10. Review status: criteria provided, single submitter. Criteria: Invitae Variant Classification Sherloc (09022015). Collection method: clinical testing. Allele origin: germline.
Comment: This sequence change replaces tryptophan, which is neutral and slightly polar, with cysteine, which is neutral and slightly polar, at codon 1223 of the DNAH1 protein (p.Trp1223Cys). This variant is present in population databases (no rsID available, gnomAD no frequency). This variant has not been reported in the literature in individuals affected with DNAH1-related conditions. Advanced modeling of protein sequence and biophysical properties (such as structural, functional, and spatial information, amino acid conservation, physicochemical variation, residue mobility, and thermodynamic stability) performed at Invitae indicates that this missense variant is expected to disrupt DNAH1 protein function with a positive predictive value of 80%. In summary, the available evidence is currently insufficient to determine the role of this variant in disease. Therefore, it has been classified as a Variant of Uncertain Significance.